The following is an entry in ClinVar:

ClinVar aggregate classification (germline): Pathogenic (1 of 4 stars; one submission).

Conditions:
Hypogonadotropic hypogonadism 2 with or without anosmia (HH2). Also called: FGFR1-Related GnRH Deficiency (Kallmann Syndrome 2); HYPOGONADOTROPIC HYPOGONADISM 2 WITHOUT ANOSMIA; HYPOGONADOTROPIC HYPOGONADISM 2 WITH OR WITHOUT ANOSMIA, SUSCEPTIBILITY TO; HYPOGONADOTROPIC HYPOGONADISM 2 WITHOUT ANOSMIA, SUSCEPTIBILITY TO. Identifiers: Orphanet 478, MedGen C1563720, MONDO:0007844, OMIM 147950. Disease mechanism: loss of function.

Submission:

Reproductive Endocrine Unit, Massachusetts General Hospital
Classification: Pathogenic for Hypogonadotropic hypogonadism 2 with or without anosmia. Last evaluated: 2023-05-04. Review status: criteria provided, single submitter. Criteria: ACMG Guidelines, 2015. Collection method: research. Allele origin: unknown, inherited. Affected: yes. Observed: 2 variant alleles.
Comment: The variant NM_023110.2:c.1809C>A, p.(Cys603*) het has been classified as P1c based on the variant meeting the following ACMG Criteria: PVS1,PM2,PP1,PP3.

NM_023110.3(FGFR1):c.1809C>A (p.Cys603Ter)

Gene: FGFR1 (fibroblast growth factor receptor 1; minus strand). Cytogenetic location: 8p11.23.
Variant type: single nucleotide variant.
Coding change: c.1809C>A on transcript NM_023110.3 (MANE Select); coding-DNA position 1809, C replaced by A.
Protein change: p.Cys603Ter; replaces cysteine 603 with a stop codon.
Molecular consequence: nonsense.
Genome position (GRCh38, 1-based): chr8:38,415,915, G>T on the plus strand (C>A on the coding strand, the complement: FGFR1 is on the minus strand). VCF-style: chr8-38415915-G-T. GRCh37 (hg19) VCF-style: chr8-38273433-G-T.
Other names: c.1797C>A, p.Cys599Ter (NM_001410922.1, NM_001354369.2); c.1803C>A, p.Cys601Ter (NM_015850.4, NM_001174063.2, NM_001174065.2 and 1 more transcripts); c.1542C>A, p.Cys514Ter (NM_023105.3, NM_001174066.2); c.1536C>A, p.Cys512Ter (NM_023106.3, NM_001354370.2); c.1809C>A, p.Cys603Ter (NM_000604.2); c.1779C>A, p.Cys593Ter (NM_001174064.2); c.1902C>A, p.Cys634Ter (NM_001174067.2); c.1530C>A, p.Cys510Ter (NM_001354368.2); short protein forms C510*, C512*, C514*, C593*, C599*, C601*, C603*, C634*.
Identifiers: ClinVar variation 2505397 (VCV002505397.1), dbSNP rs377314381, ClinGen allele CA370731613.